The following is an entry in ClinVar:

NM_001040167.2(LFNG):c.1108A>G (p.Thr370Ala)

Gene: LFNG (LFNG O-fucosylpeptide 3-beta-N-acetylglucosaminyltransferase; plus strand). Cytogenetic location: 7p22.3.
Variant type: single nucleotide variant.
Coding change: c.1108A>G on transcript NM_001040167.2 (MANE Select); coding-DNA position 1108, A replaced by G.
Protein change: p.Thr370Ala; replaces threonine 370 with alanine.
Molecular consequence: missense variant. On other transcripts: intron variant (1).
Genome position (GRCh38, 1-based): chr7:2,527,180, A>G. VCF-style: chr7-2527180-A-G. GRCh37 (hg19) VCF-style: chr7-2566814-A-G.
Other names: c.895A>G, p.Thr299Ala (NM_001166355.2); c.721A>G, p.Thr241Ala (NM_002304.3); c.1073+259A>G (NM_001040168.2); short protein forms T241A, T299A, T370A.
Identifiers: ClinVar variation 4282427 (VCV004282427.1).
Genomic context (GRCh38, chr7:2,527,180, plus strand): 5'-GACCAGCCCCTGCTCTGTTCCCACAGGTTCCGCTCCATCCACTGCCACCTGTACCCGGAC[A>G]CACCCTGGTGTCCCCGCACTGCCATCTTCTAGTGGCCATGGCTGAGACCCAATCCCTGGG-3'
Protein context (NP_001035257.1, residues 360-379): RSIHCHLYPD[Thr370Ala]PWCPRTAIF

ClinVar aggregate classification (germline): Uncertain significance (1 of 4 stars; one submission).

Submission:

GeneDx
Classification: Uncertain significance. Last evaluated: 2025-04-08. Review status: criteria provided, single submitter. Criteria: GeneDx Variant Classification Process June 2021. Collection method: clinical testing. Allele origin: germline. Affected: yes.
Comment: Not observed at significant frequency in large population cohorts (gnomAD); In silico analysis supports that this missense variant has a deleterious effect on protein structure/function; Has not been previously published as pathogenic or benign to our knowledge